The following is an entry in ClinVar:

ClinVar aggregate classification (germline): Uncertain significance. Review status: criteria provided, multiple submitters, no conflicts (2 of 4 stars). 2 submissions from 2 submitters: Uncertain significance (2). Last evaluated 2025-05-12.

Conditions:
Pancreatic adenocarcinoma. Identifiers: MedGen C0281361, MONDO:0006047, HP:0006725.

Allele frequency attached by ClinVar (database versions not stated): gnomAD exomes below 0.00001.
gnomAD v4.1: 1 of 1,614,078 alleles (0.000062%); highest among the groups gnomAD compares: Middle Eastern, 0.016%; no homozygotes.

Submissions (2):

Ambry Genetics
Classification: Uncertain significance. Last evaluated: 2025-05-12. Review status: criteria provided, single submitter. Criteria: Ambry Variant Classification Scheme 2023. Collection method: clinical testing. Allele origin: germline.
Comment: The p.R199* variant (also known as c.595C>T), located in coding exon 2 of the PALLD gene, results from a C to T substitution at nucleotide position 595. This changes the amino acid from an arginine to a stop codon within coding exon 2. This alteration is expected to result in loss of function by premature protein truncation or nonsense-mediated mRNA decay. The evidence for this gene-disease relationship is limited; therefore, the clinical significance of this alteration is unclear.

Labcorp Genetics (formerly Invitae), Labcorp
Classification: Uncertain significance for Pancreatic adenocarcinoma. Last evaluated: 2022-11-15. Review status: criteria provided, single submitter. Criteria: Invitae Variant Classification Sherloc (09022015). Collection method: clinical testing. Allele origin: germline.
Comment: In summary, the available evidence is currently insufficient to determine the role of this variant in disease. Therefore, it has been classified as a Variant of Uncertain Significance. ClinVar contains an entry for this variant (Variation ID: 845160). This variant has not been reported in the literature in individuals affected with PALLD-related conditions. This variant is not present in population databases (gnomAD no frequency). This sequence change creates a premature translational stop signal (p.Arg199*) in the PALLD gene. It is expected to result in an absent or disrupted protein product. However, the current clinical and genetic evidence is not sufficient to establish whether loss-of-function variants in PALLD cause disease.

NM_001166108.2(PALLD):c.2056C>T (p.Arg686Ter)

Gene: PALLD (palladin, cytoskeletal associated protein; plus strand). Cytogenetic location: 4q32.3.
Variant type: single nucleotide variant.
Coding change: c.2056C>T on transcript NM_001166108.2 (MANE Select); coding-DNA position 2056, C replaced by T.
Protein change: p.Arg686Ter; replaces arginine 686 with a stop codon.
Molecular consequence: nonsense. On other transcripts: 5 prime UTR variant (4).
Genome position (GRCh38, 1-based): chr4:168,891,013, C>T. VCF-style: chr4-168891013-C-T. GRCh37 (hg19) VCF-style: chr4-169812164-C-T.
Other names: c.910C>T, p.Arg304Ter (NM_001166109.2); c.595C>T, p.Arg199Ter (NM_001166110.2); c.-66C>T (NM_001367567.1, NM_001367568.1, NM_001367569.1 and 1 more transcripts); c.2056C>T, p.Arg686Ter (NM_016081.4); short protein forms R199*, R304*, R686*.
Identifiers: ClinVar variation 845160 (VCV000845160.8), dbSNP rs1754079127, ClinGen allele CA358797251.